The following is an entry in ClinVar:

NM_138694.4(PKHD1):c.4828C>T (p.Gln1610Ter)

Genes: PKHD1 (PKHD1 ciliary IPT domain containing fibrocystin/polyductin; minus strand), LOC126859690 (MED14-independent group 3 enhancer GRCh37_chr6:51888848-51890047; plus strand). Cytogenetic location: 6p12.2.
Variant type: single nucleotide variant.
Coding change: c.4828C>T on transcript NM_138694.4 (MANE Select); coding-DNA position 4828, C replaced by T.
Protein change: p.Gln1610Ter; replaces glutamine 1610 with a stop codon.
Molecular consequence: nonsense.
Genome position (GRCh38, 1-based): chr6:52,024,982, G>A on the plus strand (C>T on the coding strand, the complement: PKHD1 is on the minus strand). VCF-style: chr6-52024982-G-A. GRCh37 (hg19) VCF-style: chr6-51889780-G-A.
Other names: c.4828C>T, p.Gln1610Ter (NM_170724.3); short protein forms Q1610*.
Identifiers: ClinVar variation 4816678 (VCV004816678.1).

ClinVar aggregate classification (germline): Likely pathogenic (1 of 4 stars; one submission).

Conditions:
Autosomal recessive polycystic kidney disease (ARPKD). Also called: AR polycystic kidney disease. Identifiers: Orphanet 731, Orphanet 8378, MedGen C0085548, MeSH D017044, MONDO:0009889.

Submission:

Natera, Inc.
Classification: Likely pathogenic for Autosomal recessive polycystic kidney disease. Last evaluated: 2025-04-21. Review status: criteria provided, single submitter. Criteria: Natera Variant Classification Schema (03/2026). Collection method: clinical testing. Allele origin: germline.
Comment: The c.4828C>T variant in PKHD1 is a nonsense variant predicted to introduce a stop codon at amino acid 1610. This variant is expected to result in nonsense mediated decay, truncation, or a dysfunctional protein product. This variant is rare in the general population with a frequency below the threshold expected for the associated phenotype(s). Given the available evidence, this variant is classified as Likely Pathogenic.